The following is an entry in ClinVar:

NM_006514.4(SCN10A):c.3152G>A (p.Gly1051Glu)

Genes: SCN10A (sodium voltage-gated channel alpha subunit 10; minus strand), LOC110121288 (VISTA enhancer hs2268; plus strand). Cytogenetic location: 3p22.2.
Variant type: single nucleotide variant.
Coding change: c.3152G>A on transcript NM_006514.4 (MANE Select); coding-DNA position 3152, G replaced by A.
Protein change: p.Gly1051Glu; replaces glycine 1051 with glutamic acid.
Molecular consequence: missense variant.
Genome position (GRCh38, 1-based): chr3:38,725,250, C>T on the plus strand (G>A on the coding strand, the complement: SCN10A is on the minus strand). VCF-style: chr3-38725250-C-T. GRCh37 (hg19) VCF-style: chr3-38766741-C-T.
Other names: c.3149G>A, p.Gly1050Glu (NM_001293306.2); c.2858G>A, p.Gly953Glu (NM_001293307.2); c.3152G>A (NM_006514.3); short protein forms G1050E, G1051E, G953E.
Identifiers: ClinVar variation 1579664 (VCV001579664.18), dbSNP rs528738403, ClinGen allele CA2320338.

ClinVar aggregate classification (germline): Likely benign. Review status: criteria provided, multiple submitters, no conflicts (2 of 4 stars). 4 submissions from 4 submitters: Likely benign (4). Last evaluated 2026-09-02.

Conditions:
Cardiovascular phenotype. Identifiers: MedGen CN230736.
SCN10A-related disorder. Also called: SCN10A-related condition.
Brugada syndrome. Also called: Sudden Unexplained Death Syndrome; Sudden unexplained nocturnal death syndrome; Sudden unexpected nocturnal death syndrome; Sudden Unexplained Nocturnal Death Syndrome (SUNDS). Identifiers: Orphanet 130, MedGen C1142166, MONDO:0015263.

Allele frequency attached by ClinVar (database versions not stated): TOPMed 0.00002; gnomAD 0.00004; gnomAD exomes 0.00010 and 0.00022; 1000 Genomes Project 30x 0.00016; 1000 Genomes Project 0.00020; ExAC 0.00022.
gnomAD v4.1: 160 of 1,606,342 alleles (0.01%); highest among the groups gnomAD compares: South Asian, 0.17%; 3 homozygotes.

Submissions (4):

PreventionGenetics, part of Exact Sciences
Classification: Likely benign for SCN10A-related condition. Last evaluated: 2026-09-02. Review status: criteria provided, single submitter. Criteria: ACMG Guidelines, 2015. Collection method: clinical testing. Allele origin: germline.
Comment: This variant is classified as likely benign based on ACMG/AMP sequence variant interpretation guidelines (Richards et al. 2015 PMID: 25741868, with internal and published modifications).

Labcorp Genetics (formerly Invitae), Labcorp
Classification: Likely benign for Brugada syndrome. Last evaluated: 2025-05-08. Review status: criteria provided, single submitter. Criteria: Invitae Variant Classification Sherloc (09022015). Collection method: clinical testing. Allele origin: germline.

CeGaT Center for Human Genetics Tuebingen
Classification: Likely benign. Last evaluated: 2025-03-01. Review status: criteria provided, single submitter. Criteria: CeGaT Center For Human Genetics Tuebingen Variant Classification Criteria Version 2. Collection method: clinical testing. Allele origin: germline. Affected: yes. Observed: 1 variant allele.
Comment: SCN10A: BP4, BS1

Ambry Genetics
Classification: Likely benign for Cardiovascular phenotype. Last evaluated: 2021-06-08. Review status: criteria provided, single submitter. Criteria: Ambry Variant Classification Scheme 2023. Collection method: clinical testing. Allele origin: germline.